The following is an entry in ClinVar:

NM_000219.6(KCNE1):c.227A>T (p.Asp76Val)

Gene: KCNE1 (potassium voltage-gated channel subfamily E regulatory subunit 1; minus strand). Cytogenetic location: 21q22.12.
Variant type: single nucleotide variant.
Coding change: c.227A>T on transcript NM_000219.6 (MANE Select); coding-DNA position 227, A replaced by T.
Protein change: p.Asp76Val; replaces aspartic acid 76 with valine.
Molecular consequence: missense variant.
Genome position (GRCh38, 1-based): chr21:34,449,408, T>A on the plus strand (A>T on the coding strand, the complement: KCNE1 is on the minus strand). VCF-style: chr21-34449408-T-A. GRCh37 (hg19) VCF-style: chr21-35821706-T-A.
Other names: c.227A>T, p.Asp76Val (NM_001127668.4, NM_001127669.4, NM_001127670.4 and 4 more transcripts); short protein forms D76V.
Identifiers: ClinVar variation 3374376 (VCV003374376.2).

Conditions:
Long QT syndrome 5 (LQT5). Identifiers: Orphanet 101016, Orphanet 768, MedGen C1867904, MONDO:0013372, OMIM 613695.

Submission:

Roden Lab, Vanderbilt University Medical Center
No classification provided (evidence only). Condition: Long QT syndrome 5. Review status: no classification provided. Collection method: in vitro. Allele origin: not applicable. Functional consequence: Effect on ion channel function.
ClinVar note: "not provided" was previously submitted as the classification for the variant. However, the classification appeared to be based only on an observation of functional data so it was converted to no classification on 2025-07-30.